The following is an entry in ClinVar:

ClinVar aggregate classification (germline): Uncertain significance (1 of 4 stars; one submission).

Conditions:
Cardiomyopathy (CMYO). Also called: Cardiomyopathies. Identifiers: Orphanet 167848, MedGen C0878544, MONDO:0004994, HP:0001638. Inheritance: Various modes of inheritance.

Submission:

Color Diagnostics, LLC DBA Color Health
Classification: Uncertain significance for Cardiomyopathy. Last evaluated: 2024-03-06. Review status: criteria provided, single submitter. Criteria: ACMG Guidelines, 2015. Collection method: clinical testing. Allele origin: germline.
Comment: This missense variant replaces glutamic acid with glutamine at codon 2448 of the DSP protein. Computational prediction suggests that this variant may not impact protein structure and function (internally defined REVEL score threshold <= 0.5, PMID: 27666373). To our knowledge, functional studies have not been reported for this variant. This variant has not been reported in individuals affected with cardiovascular disorders in the literature. This variant has not been identified in the general population by the Genome Aggregation Database (gnomAD). The available evidence is insufficient to determine the role of this variant in disease conclusively. Therefore, this variant is classified as a Variant of Uncertain Significance.

NM_004415.4(DSP):c.7342G>C (p.Glu2448Gln)

Gene: DSP (desmoplakin; plus strand). Cytogenetic location: 6p24.3.
Variant type: single nucleotide variant.
Coding change: c.7342G>C on transcript NM_004415.4 (MANE Select); coding-DNA position 7342, G replaced by C.
Protein change: p.Glu2448Gln; replaces glutamic acid 2448 with glutamine.
Molecular consequence: missense variant.
Genome position (GRCh38, 1-based): chr6:7,584,604, G>C. VCF-style: chr6-7584604-G-C. GRCh37 (hg19) VCF-style: chr6-7584837-G-C.
Other names: c.5545G>C, p.Glu1849Gln (NM_001008844.3); c.6013G>C, p.Glu2005Gln (NM_001319034.2); short protein forms E1849Q, E2005Q, E2448Q.
Identifiers: ClinVar variation 1171243 (VCV001171243.3), dbSNP rs2113702127, ClinGen allele CA362692785.
Genomic context (GRCh38, chr6:7,584,604, plus strand): 5'-CAACTAAAAGAAAGATGCATTAAGGATGAGGAAACAGGGCTCTGTCTTCTGCCTCTGAAA[G>C]AAAAGAAGAAACAGGTGCAGACATCACAAAAGAATACCCTCAGGAAGCGTAGAGTGGTCA-3'
Protein context (NP_004406.2, residues 2438-2458): ETGLCLLPLK[Glu2448Gln]KKKQVQTSQK